The following is an entry in ClinVar:

ClinVar aggregate classification (germline): Likely benign. Review status: criteria provided, single submitter (1 of 4 stars). 2 submissions from 2 submitters: Likely benign (1). 1 of the submissions does not count toward it. Last evaluated 2024-10-01.

Conditions:
FAT3-related disorder. Also called: FAT3-related condition.

Allele frequency attached by ClinVar (database versions not stated): TOPMed 0.00186; 1000 Genomes Project 30x 0.00187; ESP Exome Variant Server 0.00225; 1000 Genomes Project 0.00240; gnomAD exomes 0.00342; gnomAD 0.00348; ExAC 0.00537.
gnomAD v4.1: 5,599 of 1,613,888 alleles (0.35%); highest among the groups gnomAD compares: South Asian, 0.65%; 41 homozygotes.

Submissions (2):

CeGaT Center for Human Genetics Tuebingen
Classification: Likely benign. Last evaluated: 2024-10-01. Review status: criteria provided, single submitter. Criteria: CeGaT Center For Human Genetics Tuebingen Variant Classification Criteria Version 2. Collection method: clinical testing. Allele origin: germline. Affected: yes. Observed: 2 variant alleles.
Comment: FAT3: BP4, BP7

PreventionGenetics, part of Exact Sciences
Classification: Likely benign for FAT3-related condition. Last evaluated: 2019-02-27. Review status: no assertion criteria provided. Collection method: clinical testing. Allele origin: germline. Not counted in ClinVar's aggregate classification.
Comment: This variant is classified as likely benign based on ACMG/AMP sequence variant interpretation guidelines (Richards et al. 2015 PMID: 25741868, with internal and published modifications).

NM_001367949.2(FAT3):c.11739C>T (p.Asn3913=)

Gene: FAT3 (FAT atypical cadherin 3; plus strand). Cytogenetic location: 11q14.3.
Variant type: single nucleotide variant.
Coding change: c.11739C>T on transcript NM_001367949.2 (MANE Select); coding-DNA position 11739, C replaced by T.
Protein change: p.Asn3913=; no amino-acid change (asparagine 3913 retained).
Molecular consequence: synonymous variant.
Genome position (GRCh38, 1-based): chr11:92,866,821, C>T. VCF-style: chr11-92866821-C-T. GRCh37 (hg19) VCF-style: chr11-92599987-C-T.
Other names: c.11739C>T, p.Asn3913= (NM_001008781.3); c.11739C>T (NM_001008781.2).
Identifiers: ClinVar variation 2642286 (VCV002642286.25), dbSNP rs76965380, ClinGen allele CA6228418.